The following is an entry in ClinVar:

NM_006922.4(SCN3A):c.4151G>T (p.Cys1384Phe)

Gene: SCN3A (sodium voltage-gated channel alpha subunit 3; minus strand). Cytogenetic location: 2q24.3.
Variant type: single nucleotide variant.
Coding change: c.4151G>T on transcript NM_006922.4 (MANE Select); coding-DNA position 4151, G replaced by T.
Protein change: p.Cys1384Phe; replaces cysteine 1384 with phenylalanine.
Molecular consequence: missense variant.
Genome position (GRCh38, 1-based): chr2:165,097,340, C>A on the plus strand (G>T on the coding strand, the complement: SCN3A is on the minus strand). VCF-style: chr2-165097340-C-A. GRCh37 (hg19) VCF-style: chr2-165953850-C-A.
Other names: c.4004G>T, p.Cys1335Phe (NM_001081676.2, NM_001081677.2); short protein forms C1335F, C1384F.
Identifiers: ClinVar variation 3343348 (VCV003343348.1).
Genomic context (GRCh38, chr2:165,097,340, plus strand): 5'-CCAACATTATCAAAGTTTACTTTCACGTTTTTCCACCGAGCTTGCTTGCCAAGAGCCTGA[C>A]AGTCACTCAAATTGTTAACATCACTAATGTCAAACATGTTACCCGTTGTCATGTTAACAC-3'
Protein context (NP_008853.3, residues 1374-1394): DISDVNNLSD[Cys1384Phe]QALGKQARWK

ClinVar aggregate classification (germline): Uncertain significance (1 of 4 stars; one submission).

Submission:

GeneDx
Classification: Uncertain significance. Last evaluated: 2023-05-18. Review status: criteria provided, single submitter. Criteria: GeneDx Variant Classification Process June 2021. Collection method: clinical testing. Allele origin: germline. Affected: yes.
Comment: Not observed at significant frequency in large population cohorts (gnomAD); In silico analysis supports that this missense variant has a deleterious effect on protein structure/function; In silico analysis suggests this variant may impact gene splicing. In the absence of RNA/functional studies, the actual effect of this sequence change is unknown.; Has not been previously published as pathogenic or benign to our knowledge